The following is an entry in ClinVar:

NM_000463.3(UGT1A1):c.1193T>C (p.Met398Thr)

Genes: UGT1A6 (UDP glucuronosyltransferase family 1 member A6; plus strand), UGT1A7 (UDP glucuronosyltransferase family 1 member A7; plus strand), UGT1A8 (UDP glucuronosyltransferase family 1 member A8; plus strand), UGT1A9 (UDP glucuronosyltransferase family 1 member A9; plus strand), UGT1A (UDP glucuronosyltransferase family 1 member A complex locus; plus strand) and 5 more. Cytogenetic location: 2q37.1.
Variant type: single nucleotide variant.
Coding change: c.1193T>C on transcript NM_000463.3 (MANE Select); coding-DNA position 1193, T replaced by C.
Protein change: p.Met398Thr; replaces methionine 398 with threonine.
Molecular consequence: missense variant.
Genome position (GRCh38, 1-based): chr2:233,768,328, T>C. VCF-style: chr2-233768328-T-C. GRCh37 (hg19) VCF-style: chr2-234676974-T-C.
Other names: c.1184T>C, p.Met395Thr (NM_019075.4, NM_019076.5, NM_019077.3 and 1 more transcripts); c.1190T>C, p.Met397Thr (NM_001072.4); c.389T>C, p.Met130Thr (NM_205862.3); c.1196T>C, p.Met399Thr (NM_019078.2, NM_007120.3, NM_019093.4); short protein forms M399T, M130T, M395T, M398T, M397T.
Identifiers: ClinVar variation 4754372 (VCV004754372.1).
Genomic context (GRCh38, chr2:233,768,328, plus strand): 5'-TTTATGAAAGCATATGCAATGGCGTTCCCATGGTGATGATGCCCTTGTTTGGTGATCAGA[T>C]GGACAATGCAAAGCGCATGGAGACTAAGGGAGCTGGAGTGACCCTGAATGTTCTGGAAAT-3'
Protein context (NP_000454.1, residues 388-408): MVMMPLFGDQ[Met398Thr]DNAKRMETKG

ClinVar aggregate classification (germline): Uncertain significance (1 of 4 stars; one submission).

gnomAD v4.1: 3 of 1,614,176 alleles (0.00019%); highest among the groups gnomAD compares: Non-Finnish European, 0.00025%; no homozygotes.

Submission:

Labcorp Genetics (formerly Invitae), Labcorp
Classification: Uncertain significance. Last evaluated: 2025-06-05. Review status: criteria provided, single submitter. Criteria: Invitae Variant Classification Sherloc (09022015). Collection method: clinical testing. Allele origin: germline.
Comment: This sequence change replaces methionine, which is neutral and non-polar, with threonine, which is neutral and polar, at codon 398 of the UGT1A1 protein (p.Met398Thr). This variant is present in population databases (rs755527328, gnomAD 0.0009%). This variant has not been reported in the literature in individuals affected with UGT1A1-related conditions. Invitae Evidence Modeling of protein sequence and biophysical properties (such as structural, functional, and spatial information, amino acid conservation, physicochemical variation, residue mobility, and thermodynamic stability) indicates that this missense variant is not expected to disrupt UGT1A1 protein function with a negative predictive value of 80%. In summary, the available evidence is currently insufficient to determine the role of this variant in disease. Therefore, it has been classified as a Variant of Uncertain Significance.